The following is an entry in ClinVar:

ClinVar aggregate classification (germline): Uncertain significance (1 of 4 stars; one submission).

Conditions:
Hereditary cancer-predisposing syndrome. Also called: Neoplastic Syndromes, Hereditary; Tumor predisposition; Hereditary neoplastic syndrome; Hereditary Cancer Syndrome. Identifiers: Orphanet 140162, MedGen C0027672, MeSH D009386, MONDO:0015356.

Submission:

Ambry Genetics
Classification: Uncertain significance for Hereditary cancer-predisposing syndrome. Last evaluated: 2026-07-07. Review status: criteria provided, single submitter. Criteria: Ambry Variant Classification Scheme 2023. Collection method: clinical testing. Allele origin: germline.
Comment: The p.L124I variant (also known as c.370C>A), located in coding exon 5 of the SDHC gene, results from a C to A substitution at nucleotide position 370. The leucine at codon 124 is replaced by isoleucine, an amino acid with highly similar properties. This amino acid position is conserved. In addition, the in silico prediction for this alteration is inconclusive. Based on the available evidence, the clinical significance of this variant remains unclear.

NM_003001.5(SDHC):c.*24C>A

Gene: SDHC (succinate dehydrogenase complex subunit C; plus strand). Cytogenetic location: 1q23.3.
Variant type: single nucleotide variant.
Coding change: c.*24C>A on transcript NM_003001.5 (MANE Select); 24 bases downstream of the stop codon, C replaced by A.
Molecular consequence: 3 prime UTR variant. On other transcripts: missense variant (3), non-coding transcript variant (1).
Genome position (GRCh38, 1-based): chr1:161,362,457, C>A. VCF-style: chr1-161362457-C-A. GRCh37 (hg19) VCF-style: chr1-161332247-C-A.
Other names: c.*24C>A (NM_001407120.1, NM_001035512.3, NM_001035513.3 and 5 more transcripts); c.313C>A, p.Leu105Ile (NM_001407121.1); c.370C>A, p.Leu124Ile (NM_001035511.3); c.268C>A, p.Leu90Ile (NM_001278172.3); short protein forms L105I, L90I, L124I.
Identifiers: ClinVar variation 5029355 (VCV005029355.1).
Genomic context (GRCh38, chr1:161,362,457, plus strand): 5'-TACTGTGTTGTCCTCTATGGGGCTGGCAGCCATGTGAAGAAAGGAGGCTCCCAGCATCAT[C>A]TTCCTACACATTATTACATTCACCCATCTTTCTGTTTGTCATTCTTATCTCCAGCCTGGG-3'